The following is an entry in ClinVar:

NM_002473.6(MYH9):c.3592G>T (p.Val1198Leu)

Gene: MYH9 (myosin heavy chain 9; minus strand). Cytogenetic location: 22q12.3.
Variant type: single nucleotide variant.
Coding change: c.3592G>T on transcript NM_002473.6 (MANE Select); coding-DNA position 3592, G replaced by T.
Protein change: p.Val1198Leu; replaces valine 1198 with leucine.
Molecular consequence: missense variant.
Genome position (GRCh38, 1-based): chr22:36,294,970, C>A on the plus strand (G>T on the coding strand, the complement: MYH9 is on the minus strand). VCF-style: chr22-36294970-C-A. GRCh37 (hg19) VCF-style: chr22-36691016-C-A.
Other names: short protein forms V1198L.
Identifiers: ClinVar variation 4701757 (VCV004701757.1).

ClinVar aggregate classification (germline): Uncertain significance (1 of 4 stars; one submission).

gnomAD v4.1: 2 of 1,614,154 alleles (0.00012%); highest among the groups gnomAD compares: South Asian, 0.0011%; no homozygotes.

Submission:

Labcorp Genetics (formerly Invitae), Labcorp
Classification: Uncertain significance. Last evaluated: 2025-07-13. Review status: criteria provided, single submitter. Criteria: Invitae Variant Classification Sherloc (09022015). Collection method: clinical testing. Allele origin: germline.
Comment: This sequence change replaces valine, which is neutral and non-polar, with leucine, which is neutral and non-polar, at codon 1198 of the MYH9 protein (p.Val1198Leu). This variant is not present in population databases (gnomAD no frequency). This variant has not been reported in the literature in individuals affected with MYH9-related conditions. Invitae Evidence Modeling of protein sequence and biophysical properties (such as structural, functional, and spatial information, amino acid conservation, physicochemical variation, residue mobility, and thermodynamic stability) indicates that this missense variant is not expected to disrupt MYH9 protein function with a negative predictive value of 95%. In summary, the available evidence is currently insufficient to determine the role of this variant in disease. Therefore, it has been classified as a Variant of Uncertain Significance.